The following is an entry in ClinVar:

ClinVar aggregate classification (germline): Benign/Likely benign. Review status: criteria provided, multiple submitters, no conflicts (2 of 4 stars). 5 submissions from 5 submitters: Benign (4); Likely benign (1). Last evaluated 2026-01-26.

Conditions:
Combined oxidative phosphorylation deficiency 44. Also called: FASTKD2-Related Combined Oxidative Phosphorylation Deficiency. Identifiers: MedGen C5394293, MONDO:0030020, OMIM 618855.
Mitochondrial complex IV deficiency, nuclear type 1 (MC4DN1). Also called: Mitochondrial complex IV deficiency; Complex 4 mitochondrial respiratory chain deficiency; Deficiency of mitochondrial respiratory chain complex4; Complex IV deficiency; COX DEFICIENCY. Identifiers: MedGen C5435656, MONDO:0700250, OMIM 220110. Disease mechanism: loss of function.

Allele frequency attached by ClinVar (database versions not stated): gnomAD 0.01225 and 0.01315; ESP Exome Variant Server 0.01430; 1000 Genomes Project 30x 0.01374; TOPMed 0.01381; 1000 Genomes Project 0.01358.
gnomAD v4.1: 3,833 of 1,613,244 alleles (0.24%); highest among the groups gnomAD compares: African/African-American, 4.3%; 65 homozygotes.

Submissions (5):

Labcorp Genetics (formerly Invitae), Labcorp
Classification: Benign. Last evaluated: 2026-01-26. Review status: criteria provided, single submitter. Criteria: Invitae Variant Classification Sherloc (09022015). Collection method: clinical testing. Allele origin: germline.

ARUP Laboratories, Molecular Genetics and Genomics, ARUP Laboratories
Classification: Benign for Combined oxidative phosphorylation deficiency 44. Last evaluated: 2023-11-29. Review status: criteria provided, single submitter. Criteria: ARUP Molecular Germline Variant Investigation Process 2024. Collection method: clinical testing. Allele origin: germline.

Mayo Clinic Laboratories, Mayo Clinic
Classification: Benign. Last evaluated: 2018-12-10. Review status: criteria provided, single submitter. Criteria: ACMG Guidelines, 2015. Collection method: clinical testing. Allele origin: germline. Observed: 14 variant alleles.

Illumina Laboratory Services, Illumina
Classification: Likely benign for Mitochondrial complex IV deficiency, nuclear type 1. Last evaluated: 2018-01-13. Review status: criteria provided, single submitter. Criteria: ICSL Variant Classification Criteria 13 December 2019. Collection method: clinical testing. Allele origin: germline.
Comment: This variant was observed in the ICSL laboratory as part of a predisposition screen in an ostensibly healthy population. It had not been previously curated by ICSL or reported in the Human Gene Mutation Database (HGMD: prior to June 1st, 2018), and was therefore a candidate for classification through an automated scoring system. Utilizing variant allele frequency, disease prevalence and penetrance estimates, and inheritance mode, an automated score was calculated to assess if this variant is too frequent to cause the disease. Based on the score and internal cut-off values, a variant classified as likely benign is not then subjected to further curation. The score for this variant resulted in a classification of likely benign for this disease.

GeneDx
Classification: Benign. Last evaluated: 2012-10-22. Review status: criteria provided, single submitter. Criteria: GeneDx Variant Classification (06012015). Collection method: clinical testing. Allele origin: germline. Affected: yes.
Comment: This variant is considered likely benign or benign based on one or more of the following criteria: it is a conservative change, it occurs at a poorly conserved position in the protein, it is predicted to be benign by multiple in silico algorithms, and/or has population frequency not consistent with disease.

NM_001136193.2(FASTKD2):c.1254+9A>C

Gene: FASTKD2 (FAST kinase domains 2; plus strand). Cytogenetic location: 2q33.3.
Variant type: single nucleotide variant.
Coding change: c.1254+9A>C on transcript NM_001136193.2 (MANE Select); 9 bases into the intron after coding-DNA position 1254, A replaced by C.
Molecular consequence: intron variant.
Genome position (GRCh38, 1-based): chr2:206,772,329, A>C. VCF-style: chr2-206772329-A-C. GRCh37 (hg19) VCF-style: chr2-207637053-A-C.
Other names: p.?; c.1254+9A>C (NM_001136194.2, NM_014929.4).
Identifiers: ClinVar variation 137296 (VCV000137296.16), dbSNP rs10177169, ClinGen allele CA290852.